The following is an entry in ClinVar:

ClinVar aggregate classification (germline): Conflicting classifications of pathogenicity. Review status: criteria provided, conflicting classifications (1 of 4 stars). 8 submissions from 8 submitters: Uncertain significance (1); Likely benign (3). 4 of the submissions do not count toward it. Last evaluated 2025-12-27.

Conditions:
Hajdu-Cheney syndrome (HJCYS). Also called: Acroosteolysis dominant type; ACROOSTEOLYSIS WITH OSTEOPOROSIS AND CHANGES IN SKULL AND MANDIBLE; SERPENTINE FIBULA-POLYCYSTIC KIDNEY SYNDROME. Identifiers: Orphanet 955, MedGen C0917715, MONDO:0007057, OMIM 102500.
NOTCH2-related disorder. Also called: NOTCH2-related condition.

Allele frequency attached by ClinVar (database versions not stated): gnomAD 0.00038 and 0.00039; ExAC 0.00041; ESP Exome Variant Server 0.00046; gnomAD exomes 0.00049 and 0.00028; TOPMed 0.00032.
gnomAD v4.1: 778 of 1,613,966 alleles (0.048%); highest among the groups gnomAD compares: Non-Finnish European, 0.062%; no homozygotes.

Submissions (8):

Labcorp Genetics (formerly Invitae), Labcorp
Classification: Likely benign for Hajdu-Cheney syndrome. Last evaluated: 2025-12-27. Review status: criteria provided, single submitter. Criteria: Invitae Variant Classification Sherloc (09022015). Collection method: clinical testing. Allele origin: germline.

Blueprint Genetics
Classification: Likely benign. Last evaluated: 2024-10-04. Review status: criteria provided, single submitter. Criteria: ACMG Guidelines, 2015. Collection method: clinical testing. Allele origin: germline.

Johns Hopkins Genomics, Johns Hopkins University
Classification: Likely benign. Last evaluated: 2021-07-28. Review status: criteria provided, single submitter. Criteria: ACMG Guidelines, 2015. Collection method: clinical testing. Allele origin: germline.

Eurofins Ntd Llc (ga)
Classification: Uncertain significance. Last evaluated: 2018-05-22. Review status: criteria provided, single submitter. Criteria: EGL ClinVar v180209 classification definitions. Collection method: clinical testing. Allele origin: germline. Observed: 3 variant alleles, 3 heterozygotes.

PreventionGenetics, part of Exact Sciences
Classification: Likely benign for NOTCH2-related condition. Last evaluated: 2022-03-04. Review status: no assertion criteria provided. Collection method: clinical testing. Allele origin: germline. Not counted in ClinVar's aggregate classification.
Comment: This variant is classified as likely benign based on ACMG/AMP sequence variant interpretation guidelines (Richards et al. 2015 PMID: 25741868, with internal and published modifications).

Department of Pathology and Laboratory Medicine, Sinai Health System
Classification: Uncertain significance. Review status: no assertion criteria provided. Collection method: clinical testing. Allele origin: unknown. Affected: yes. Study: The Canadian Open Genetics Repository (COGR). Not counted in ClinVar's aggregate classification.
Comment: The NOTCH2 p.Ala602Thr variant was not identified in the literature nor was it identified in Cosmic. The variant was identified in dbSNP (ID: rs140311741), LOVD 3.0 and in ClinVar (classified as a VUS for Hajdu-Cheney syndrome by Invitae and EGL Genetics). The variant was identified in control databases in 85 of 282500 chromosomes at a frequency of 0.000301 (Genome Aggregation Database Feb 27, 2017). The variant was observed in the following populations: European (non-Finnish) in 78 of 128854 chromosomes (freq: 0.000605), Other in 2 of 7220 chromosomes (freq: 0.000277), African in 2 of 24964 chromosomes (freq: 0.00008), Latino in 2 of 35430 chromosomes (freq: 0.000056) and European (Finnish) in 1 of 25124 chromosomes (freq: 0.00004); it was not observed in the Ashkenazi Jewish, East Asian, and South Asian populations. The p.Ala602 residue is conserved in mammals but not in more distantly related organisms however computational analyses (PolyPhen-2, SIFT, AlignGVGD, BLOSUM) do not suggest a high likelihood of impact to the protein; this information is not predictive enough to rule out pathogenicity. The variant occurs outside of the splicing consensus sequence and in silico or computational prediction software programs (SpliceSiteFinder, MaxEntScan, NNSPLICE, GeneSplicer) do not predict a difference in splicing. In summary, based on the above information the clinical significance of this variant cannot be determined with certainty at this time. This variant is classified as a variant of uncertain significance.

Joint Genome Diagnostic Labs from Nijmegen and Maastricht, Radboudumc and MUMC+
Classification: Likely benign. Review status: no assertion criteria provided. Collection method: clinical testing. Allele origin: germline. Affected: yes. Study: VKGL Data-share Consensus. Not counted in ClinVar's aggregate classification.

Laboratory of Diagnostic Genome Analysis, Leiden University Medical Center (LUMC)
Classification: Likely benign. Review status: no assertion criteria provided. Collection method: clinical testing. Allele origin: germline. Affected: yes. Study: VKGL Data-share Consensus. Not counted in ClinVar's aggregate classification.

Literature cited by the submitters: PubMed 32341259 (cited by Johns Hopkins Genomics, Johns Hopkins University).

NM_024408.4(NOTCH2):c.1804G>A (p.Ala602Thr)

Gene: NOTCH2 (notch receptor 2; minus strand). Cytogenetic location: 1p12.
Variant type: single nucleotide variant.
Coding change: c.1804G>A on transcript NM_024408.4 (MANE Select); coding-DNA position 1804, G replaced by A.
Protein change: p.Ala602Thr; replaces alanine 602 with threonine.
Molecular consequence: missense variant.
Genome position (GRCh38, 1-based): chr1:119,963,685, C>T on the plus strand (G>A on the coding strand, the complement: NOTCH2 is on the minus strand). VCF-style: chr1-119963685-C-T. GRCh37 (hg19) VCF-style: chr1-120506308-C-T.
Other names: c.1804G>A, p.Ala602Thr (NM_001200001.2); short protein forms A602T.
Identifiers: ClinVar variation 500000 (VCV000500000.24), dbSNP rs140311741, ClinGen allele CA1040450.